The following is an entry in ClinVar:

NM_016239.4(MYO15A):c.9469dup (p.Thr3157fs)

Gene: MYO15A (myosin XVA; plus strand). Cytogenetic location: 17p11.2.
Variant type: Duplication.
Coding change: c.9469dup on transcript NM_016239.4 (MANE Select); coding-DNA position 9469, one base duplicated (A; older notation c.9469dupA).
Protein change: p.Thr3157fs; shifts the reading frame from threonine 3157.
Molecular consequence: frameshift variant.
Genome position (GRCh38, 1-based): chr17:18,161,399, A duplicated. VCF-style (leftmost placement, unchanged base first): chr17-18161398-C-CA. GRCh37 (hg19) VCF-style: chr17-18064712-C-CA.
Other names: short protein forms T3157fs.
Identifiers: ClinVar variation 1406400 (VCV001406400.8), dbSNP rs2142399174, ClinGen allele CA2573153132.

ClinVar aggregate classification (germline): Pathogenic (1 of 4 stars; one submission).

Submission:

Labcorp Genetics (formerly Invitae), Labcorp
Classification: Pathogenic. Last evaluated: 2021-05-09. Review status: criteria provided, single submitter. Criteria: Invitae Variant Classification Sherloc (09022015). Collection method: clinical testing. Allele origin: germline.
Comment: For these reasons, this variant has been classified as Pathogenic. This variant has not been reported in the literature in individuals with MYO15A-related conditions. This variant is not present in population databases (ExAC no frequency). This sequence change creates a premature translational stop signal (p.Thr3157Asnfs*65) in the MYO15A gene. It is expected to result in an absent or disrupted protein product. Loss-of-function variants in MYO15A are known to be pathogenic (PMID: 17546645).

Literature cited by the submitters: PubMed 17546645.